The following is an entry in ClinVar:

NM_020923.3(ZDBF2):c.1468AGT[1] (p.Ser492del)

Gene: ZDBF2 (zinc finger DBF-type containing 2; plus strand). Cytogenetic location: 2q33.3.
Variant type: Microsatellite.
Coding change: c.1468AGT[1] on transcript NM_020923.3 (MANE Select); one copy of the 3-base unit AGT starting at c.1468; the reference has two copies in a row; one copy, 3 bases deleted.
Protein change: p.Ser492del; deletes serine 492.
Molecular consequence: inframe deletion.
Genome position (GRCh38, 1-based): chr2:206,305,999-206,306,001, AGT deleted; deleting any 3 consecutive bases within chr2:206,305,995-206,306,001 gives the same sequence; the position shown is the placement nearest the transcript's 3' end. VCF-style (leftmost placement, unchanged base first): chr2-206305994-CTAG-C. GRCh37 (hg19) VCF-style: chr2-207170718-CTAG-C.
Other names: c.1462AGT[1], p.Ser490del (NM_001285549.2); c.1468AGT[1], p.Ser492del (NM_001369654.1); short protein forms S490del, S492del.
Identifiers: ClinVar variation 2901723 (VCV002901723.3), dbSNP rs746001975, ClinGen allele CA2071860.
Genomic context (GRCh38, chr2:206,305,994, plus strand): 5'-TTAAAGAAATAAGTCTTCAGAATGCAAGGCATATTAGCCTGGTTGACCAAAGCTATGAAT[CTAG>C]TAGTTCTGAAACGAATTTTGATTGTGATGCTTCACCTCAGTCCACTAGTGACTACCCCCA-3'

ClinVar aggregate classification (germline): Uncertain significance (1 of 4 stars; one submission).

Submission:

Labcorp Genetics (formerly Invitae), Labcorp
Classification: Uncertain significance. Last evaluated: 2023-06-22. Review status: criteria provided, single submitter. Criteria: Invitae Variant Classification Sherloc (09022015). Collection method: clinical testing. Allele origin: germline.
Comment: This variant, c.1471_1473del, results in the deletion of 1 amino acid(s) of the ZDBF2 protein (p.Ser492del), but otherwise preserves the integrity of the reading frame. This variant is present in population databases (rs746001975, gnomAD 0.004%). This variant has not been reported in the literature in individuals affected with ZDBF2-related conditions. In summary, the available evidence is currently insufficient to determine the role of this variant in disease. Therefore, it has been classified as a Variant of Uncertain Significance.